The following is an entry in ClinVar:

ClinVar aggregate classification (germline): Uncertain significance (1 of 4 stars; one submission).

gnomAD v4.1: 43 of 1,450,168 alleles (0.003%); highest among the groups gnomAD compares: South Asian, 0.055%; no homozygotes.

Submission:

Labcorp Genetics (formerly Invitae), Labcorp
Classification: Uncertain significance. Last evaluated: 2024-08-27. Review status: criteria provided, single submitter. Criteria: Invitae Variant Classification Sherloc (09022015). Collection method: clinical testing. Allele origin: germline.
Comment: This sequence change replaces proline, which is neutral and non-polar, with leucine, which is neutral and non-polar, at codon 7 of the DSCAML1 protein (p.Pro7Leu). This variant is present in population databases (rs761309234, gnomAD 0.1%), and has an allele count higher than expected for a pathogenic variant. This variant has not been reported in the literature in individuals affected with DSCAML1-related conditions. Experimental studies and prediction algorithms are not available or were not evaluated, and the functional significance of this variant is currently unknown. In summary, the available evidence is currently insufficient to determine the role of this variant in disease. Therefore, it has been classified as a Variant of Uncertain Significance.

NC_000011.10:g.117797240G>A

Gene: DSCAML1 (DS cell adhesion molecule like 1; minus strand). Cytogenetic location: 11q23.3.
Variant type: single nucleotide variant.
Molecular consequence: intron variant (on NM_001367905.1).
Genome position: GRCh38 VCF-style: chr11-117797240-G-A. GRCh37 (hg19) VCF-style: chr11-117667955-G-A.
Other names: c.-362-16430C>T (NM_001367905.1).
Identifiers: ClinVar variation 3680869 (VCV003680869.2).